The following is an entry in ClinVar:

ClinVar aggregate classification (germline): Pathogenic/Likely pathogenic. Review status: criteria provided, multiple submitters, no conflicts (2 of 4 stars). 2 submissions from 2 submitters: Pathogenic (1); Likely pathogenic (1). Last evaluated 2024-07-23.

Conditions:
RP1-related disorder. Also called: RP1-related condition.

Submissions (2):

Blueprint Genetics
Classification: Likely pathogenic for RP1-related disorders. Last evaluated: 2024-07-23. Review status: criteria provided, single submitter. Criteria: ACMG Guidelines, 2015. Collection method: clinical testing. Allele origin: germline. Affected: yes. Observed: 2 variant alleles.

Labcorp Genetics (formerly Invitae), Labcorp
Classification: Pathogenic. Last evaluated: 2023-11-12. Review status: criteria provided, single submitter. Criteria: Invitae Variant Classification Sherloc (09022015). Collection method: clinical testing. Allele origin: germline.
Comment: This sequence change creates a premature translational stop signal (p.Cys1657*) in the RP1 gene. While this is not anticipated to result in nonsense mediated decay, it is expected to disrupt the last 500 amino acid(s) of the RP1 protein. This variant is not present in population databases (gnomAD no frequency). This premature translational stop signal has been observed in individual(s) with autosomal recessive retinitis pigmentosa (Invitae). ClinVar contains an entry for this variant (Variation ID: 1075436). This variant disrupts the C-terminus of the RP1 protein. Many variants that disrupt this region have been reported in individuals with either autosomal dominant or autosomal recessive retinitis pigmentosa (PMID: 11527933, 19933189, 29425069, 30027431, 33681214). Therefore, variants that disrupt this region are expected to be disease-causing. For these reasons, this variant has been classified as Pathogenic.

Literature cited by the submitters: PubMed 11527933 (cited by Labcorp Genetics (formerly Invitae), Labcorp); PubMed 19933189 (cited by Labcorp Genetics (formerly Invitae), Labcorp); PubMed 29425069 (cited by Labcorp Genetics (formerly Invitae), Labcorp); PubMed 30027431 (cited by Labcorp Genetics (formerly Invitae), Labcorp); PubMed 33681214 (cited by Labcorp Genetics (formerly Invitae), Labcorp).

NM_006269.2(RP1):c.4971T>A (p.Cys1657Ter)

Genes: RP1 (RP1 axonemal microtubule associated; plus strand), LOC126860392 (CDK7 strongly-dependent group 2 enhancer GRCh37_chr8:55541319-55542518; plus strand). Cytogenetic location: 8q12.1.
Variant type: single nucleotide variant.
Coding change: c.4971T>A on transcript NM_006269.2 (MANE Select); coding-DNA position 4971, T replaced by A.
Protein change: p.Cys1657Ter; replaces cysteine 1657 with a stop codon.
Molecular consequence: nonsense. On other transcripts: intron variant (1).
Genome position (GRCh38, 1-based): chr8:54,628,853, T>A. VCF-style: chr8-54628853-T-A. GRCh37 (hg19) VCF-style: chr8-55541413-T-A.
Other names: c.787+6565T>A (NM_001375654.1); short protein forms C1657*.
Identifiers: ClinVar variation 1075436 (VCV001075436.11), dbSNP rs2129317933, ClinGen allele CA370984564.